The following is an entry in ClinVar:

NM_001394372.1(BICRA):c.1908C>T (p.Pro636=)

Gene: BICRA (BRD4 interacting chromatin remodeling complex associated protein; plus strand). Cytogenetic location: 19q13.33.
Variant type: single nucleotide variant.
Coding change: c.1908C>T on transcript NM_001394372.1 (MANE Select); coding-DNA position 1908, C replaced by T.
Protein change: p.Pro636=; no amino-acid change (proline 636 retained).
Molecular consequence: synonymous variant.
Genome position (GRCh38, 1-based): chr19:47,681,078, C>T. VCF-style: chr19-47681078-C-T. GRCh37 (hg19) VCF-style: chr19-48184335-C-T.
Other names: c.1908C>T, p.Pro636= (NM_015711.3).
Identifiers: ClinVar variation 3771672 (VCV003771672.13).

ClinVar aggregate classification (germline): Likely benign (1 of 4 stars; one submission).

Submission:

CeGaT Center for Human Genetics Tuebingen
Classification: Likely benign. Last evaluated: 2025-01-01. Review status: criteria provided, single submitter. Criteria: CeGaT Center For Human Genetics Tuebingen Variant Classification Criteria Version 2. Collection method: clinical testing. Allele origin: germline. Affected: yes. Observed: 1 variant allele.
Comment: BICRA: BP4, BP7